The following is an entry in ClinVar:

NM_032273.4(TMEM126A):c.53C>A (p.Ser18Tyr)

Gene: TMEM126A (transmembrane protein 126A; plus strand). Cytogenetic location: 11q14.1.
Variant type: single nucleotide variant.
Coding change: c.53C>A on transcript NM_032273.4 (MANE Select); coding-DNA position 53, C replaced by A.
Protein change: p.Ser18Tyr; replaces serine 18 with tyrosine.
Molecular consequence: missense variant. On other transcripts: intron variant (1).
Genome position (GRCh38, 1-based): chr11:85,650,308, C>A. VCF-style: chr11-85650308-C-A. GRCh37 (hg19) VCF-style: chr11-85361352-C-A.
Other names: c.-125+2219C>A (NM_001244735.2); short protein forms S18Y.
Identifiers: ClinVar variation 2125513 (VCV002125513.4), dbSNP rs758893864, ClinGen allele CA6212664.
Genomic context (GRCh38, chr11:85,650,308, plus strand): 5'-GGCTCAAAATGGAAAATCATAAATCCAATAATAAGGAAAACATAACAATTGTTGATATAT[C>A]CAGAAAAATTAACCAGCTTCCAGAAGCAGAAAGGTAAGATCCCTTCTTAATTTAAAAACA-3'
Protein context (NP_115649.1, residues 8-28): NKENITIVDI[Ser18Tyr]RKINQLPEAE

ClinVar aggregate classification (germline): Uncertain significance (1 of 4 stars; one submission).

Allele frequency attached by ClinVar (database versions not stated): ExAC 0.00001; gnomAD 0.00001.

Submission:

Labcorp Genetics (formerly Invitae), Labcorp
Classification: Uncertain significance. Last evaluated: 2025-01-06. Review status: criteria provided, single submitter. Criteria: Invitae Variant Classification Sherloc (09022015). Collection method: clinical testing. Allele origin: germline.
Comment: This sequence change replaces serine, which is neutral and polar, with tyrosine, which is neutral and polar, at codon 18 of the TMEM126A protein (p.Ser18Tyr). This variant is present in population databases (rs758893864, gnomAD 0.002%). This variant has not been reported in the literature in individuals affected with TMEM126A-related conditions. ClinVar contains an entry for this variant (Variation ID: 2125513). An algorithm developed to predict the effect of missense changes on protein structure and function (PolyPhen-2) suggests that this variant is likely to be tolerated. In summary, the available evidence is currently insufficient to determine the role of this variant in disease. Therefore, it has been classified as a Variant of Uncertain Significance.